The following is an entry in ClinVar:

ClinVar aggregate classification (germline): Uncertain significance. Review status: criteria provided, multiple submitters, no conflicts (2 of 4 stars). 4 submissions from 4 submitters: Uncertain significance (4). Last evaluated 2025-11-23.

Conditions:
Hereditary cancer-predisposing syndrome. Also called: Hereditary neoplastic syndrome; Hereditary Cancer Syndrome; Neoplastic Syndromes, Hereditary; Tumor predisposition. Identifiers: Orphanet 140162, MedGen C0027672, MeSH D009386, MONDO:0015356.
Tuberous sclerosis 2 (TSC2). Identifiers: Orphanet 805, MedGen C1860707, MONDO:0013199, OMIM 613254.
Tuberous sclerosis syndrome (TSC). Also called: Tuberous Sclerosis Complex; Tuberous sclerosis. Identifiers: Orphanet 805, MedGen C0041341, MONDO:0001734.

gnomAD v4.1: 2 of 1,613,402 alleles (0.00012%); highest among the groups gnomAD compares: Non-Finnish European, 0.00017%; no homozygotes.

Submissions (4):

Ambry Genetics
Classification: Uncertain significance for Hereditary cancer-predisposing syndrome. Last evaluated: 2025-11-23. Review status: criteria provided, single submitter. Criteria: Ambry Variant Classification Scheme 2023. Collection method: clinical testing. Allele origin: germline.
Comment: The p.R936W variant (also known as c.2806C>T), located in coding exon 24 of the TSC2 gene, results from a C to T substitution at nucleotide position 2806. The arginine at codon 936 is replaced by tryptophan, an amino acid with dissimilar properties. This amino acid position is conserved. In addition, this alteration is predicted to be deleterious by in silico analysis. Based on the available evidence, the clinical significance of this variant remains unclear.

Labcorp Genetics (formerly Invitae), Labcorp
Classification: Uncertain significance for Tuberous sclerosis 2. Last evaluated: 2025-03-15. Review status: criteria provided, single submitter. Criteria: Invitae Variant Classification Sherloc (09022015). Collection method: clinical testing. Allele origin: germline.
Comment: This sequence change replaces arginine, which is basic and polar, with tryptophan, which is neutral and slightly polar, at codon 936 of the TSC2 protein (p.Arg936Trp). This variant is not present in population databases (gnomAD no frequency). This variant has not been reported in the literature in individuals affected with TSC2-related conditions. ClinVar contains an entry for this variant (Variation ID: 1364631). Invitae Evidence Modeling of protein sequence and biophysical properties (such as structural, functional, and spatial information, amino acid conservation, physicochemical variation, residue mobility, and thermodynamic stability) indicates that this missense variant is not expected to disrupt TSC2 protein function with a negative predictive value of 95%. In summary, the available evidence is currently insufficient to determine the role of this variant in disease. Therefore, it has been classified as a Variant of Uncertain Significance.

All of Us Research Program, National Institutes of Health
Classification: Uncertain significance for Tuberous sclerosis syndrome. Last evaluated: 2024-06-27. Review status: criteria provided, single submitter. Criteria: ACMG Guidelines, 2015. Collection method: clinical testing. Allele origin: germline. Inheritance: Autosomal dominant inheritance. Observed: 1 variant allele, 1 heterozygote.
Comment: This missense variant replaces arginine with tryptophan at codon 936 of the TSC2 protein. Computational prediction suggests that this variant may have deleterious impact on protein structure and function (internally defined REVEL score threshold >= 0.7, PMID: 27666373). To our knowledge, functional studies have not been reported for this variant. This variant has not been reported in individuals affected with TSC2-related disorders in the literature. This variant has not been identified in the general population by the Genome Aggregation Database (gnomAD). The available evidence is insufficient to determine the role of this variant in disease conclusively. Therefore, this variant is classified as a Variant of Uncertain Significance.

This study involves interpretation of variants in research participants for the purpose of population health screening. Participant phenotype was not available at the time of variant classification. Additional details can be found in publication PMID: 35346344, PMCID: PMC8962531

Color Diagnostics, LLC DBA Color Health
Classification: Uncertain significance for Tuberous sclerosis syndrome. Last evaluated: 2024-04-03. Review status: criteria provided, single submitter. Criteria: ACMG Guidelines, 2015. Collection method: clinical testing. Allele origin: germline.
Comment: This missense variant replaces arginine with tryptophan at codon 936 of the TSC2 protein. Computational prediction suggests that this variant may have deleterious impact on protein structure and function (internally defined REVEL score threshold >= 0.7, PMID: 27666373). To our knowledge, functional studies have not been reported for this variant. This variant has not been reported in individuals affected with TSC2-related disorders in the literature. This variant has not been identified in the general population by the Genome Aggregation Database (gnomAD). The available evidence is insufficient to determine the role of this variant in disease conclusively. Therefore, this variant is classified as a Variant of Uncertain Significance.

NM_000548.5(TSC2):c.2806C>T (p.Arg936Trp)

Gene: TSC2 (TSC complex subunit 2; plus strand). Cytogenetic location: 16p13.3.
Variant type: single nucleotide variant.
Coding change: c.2806C>T on transcript NM_000548.5 (MANE Select); coding-DNA position 2806, C replaced by T.
Protein change: p.Arg936Trp; replaces arginine 936 with tryptophan.
Molecular consequence: missense variant.
Genome position (GRCh38, 1-based): chr16:2,076,554, C>T. VCF-style: chr16-2076554-C-T. GRCh37 (hg19) VCF-style: chr16-2126555-C-T.
Other names: c.2806C>T, p.Arg936Trp (NM_001077183.3, NM_001114382.3, NM_001363528.2 and 3 more transcripts); c.2695C>T, p.Arg899Trp (NM_001318827.2); c.2659C>T, p.Arg887Trp (NM_001318829.2); c.2206C>T, p.Arg736Trp (NM_001318831.2); c.2839C>T, p.Arg947Trp (NM_001318832.2); c.2806C>T (NM_000548.3); short protein forms R936W, R899W, R947W, R887W, R736W.
Identifiers: ClinVar variation 1364631 (VCV001364631.11), dbSNP rs2151395746, ClinGen allele CA394280103.